The following is an entry in ClinVar:

ClinVar aggregate classification (germline): Conflicting classifications of pathogenicity. Review status: criteria provided, conflicting classifications (1 of 4 stars). 4 submissions from 4 submitters: Uncertain significance (1); Benign (2); Likely benign (1). Last evaluated 2025-12-01.

Conditions:
PDE3A-related disorder. Also called: PDE3A-related condition.

Allele frequency attached by ClinVar (database versions not stated): gnomAD 0.00204; TOPMed 0.00251; 1000 Genomes Project 0.00280; ESP Exome Variant Server 0.00284; 1000 Genomes Project 30x 0.00359.

Submissions (4):

Labcorp Genetics (formerly Invitae), Labcorp
Classification: Benign. Last evaluated: 2025-12-01. Review status: criteria provided, single submitter. Criteria: Invitae Variant Classification Sherloc (09022015). Collection method: clinical testing. Allele origin: germline.

PreventionGenetics, part of Exact Sciences
Classification: Benign for PDE3A-related condition. Last evaluated: 2025-05-20. Review status: criteria provided, single submitter. Criteria: ACMG Guidelines, 2015. Collection method: clinical testing. Allele origin: germline.
Comment: This variant is classified as benign based on ACMG/AMP sequence variant interpretation guidelines (Richards et al. 2015 PMID: 25741868, with internal and published modifications).

Blueprint Genetics
Classification: Likely benign. Last evaluated: 2024-09-18. Review status: criteria provided, single submitter. Criteria: ACMG Guidelines, 2015. Collection method: clinical testing. Allele origin: germline.

GeneDx
Classification: Uncertain significance. Last evaluated: 2023-05-01. Review status: criteria provided, single submitter. Criteria: GeneDx Variant Classification Process June 2021. Collection method: clinical testing. Allele origin: germline. Affected: yes.
Comment: In silico analysis supports that this missense variant does not alter protein structure/function; Has not been previously published as pathogenic or benign to our knowledge

NM_000921.5(PDE3A):c.1801C>A (p.Pro601Thr)

Gene: PDE3A (phosphodiesterase 3A; plus strand). Cytogenetic location: 12p12.2.
Variant type: single nucleotide variant.
Coding change: c.1801C>A on transcript NM_000921.5 (MANE Select); coding-DNA position 1801, C replaced by A.
Protein change: p.Pro601Thr; replaces proline 601 with threonine.
Molecular consequence: missense variant. On other transcripts: intron variant (1).
Genome position (GRCh38, 1-based): chr12:20,633,733, C>A. VCF-style: chr12-20633733-C-A. GRCh37 (hg19) VCF-style: chr12-20786667-C-A.
Other names: c.835C>A, p.Pro279Thr (NM_001244683.2, NM_001378409.1); c.838C>A, p.Pro280Thr (NM_001378408.1); c.1541-1169C>A (NM_001378407.1); short protein forms P279T, P601T, P280T.
Identifiers: ClinVar variation 776696 (VCV000776696.11), dbSNP rs151312475, ClinGen allele CA6473846.